The following is an entry in ClinVar:

NM_000553.6(WRN):c.137T>C (p.Phe46Ser)

Gene: WRN (WRN RecQ like helicase; plus strand). Cytogenetic location: 8p12.
Variant type: single nucleotide variant.
Coding change: c.137T>C on transcript NM_000553.6 (MANE Select); coding-DNA position 137, T replaced by C.
Protein change: p.Phe46Ser; replaces phenylalanine 46 with serine.
Molecular consequence: missense variant.
Genome position (GRCh38, 1-based): chr8:31,059,193, T>C. VCF-style: chr8-31059193-T-C. GRCh37 (hg19) VCF-style: chr8-30916709-T-C.
Other names: short protein forms F46S.
Identifiers: ClinVar variation 569940 (VCV000569940.7), dbSNP rs772246871, ClinGen allele CA4703990.

ClinVar aggregate classification (germline): Uncertain significance. Review status: criteria provided, multiple submitters, no conflicts (2 of 4 stars). 2 submissions from 2 submitters: Uncertain significance (2). Last evaluated 2022-11-01.

Conditions:
Werner syndrome (WRN). Identifiers: Orphanet 902, MedGen C0043119, MONDO:0010196, OMIM 277700.

Allele frequency attached by ClinVar (database versions not stated): gnomAD 0.00001; TOPMed 0.00007; ExAC 0.00014; gnomAD exomes 0.00014.
gnomAD v4.1: 40 of 1,613,764 alleles (0.0025%); highest among the groups gnomAD compares: Admixed American, 0.065%; no homozygotes.

Submissions (2):

Labcorp Genetics (formerly Invitae), Labcorp
Classification: Uncertain significance for Werner syndrome. Last evaluated: 2022-11-01. Review status: criteria provided, single submitter. Criteria: Invitae Variant Classification Sherloc (09022015). Collection method: clinical testing. Allele origin: germline.
Comment: This sequence change replaces phenylalanine, which is neutral and non-polar, with serine, which is neutral and polar, at codon 46 of the WRN protein (p.Phe46Ser). This variant is present in population databases (rs772246871, gnomAD 0.1%). This variant has not been reported in the literature in individuals affected with WRN-related conditions. ClinVar contains an entry for this variant (Variation ID: 569940). Algorithms developed to predict the effect of missense changes on protein structure and function are either unavailable or do not agree on the potential impact of this missense change (SIFT: "Not Available"; PolyPhen-2: "Probably Damaging"; Align-GVGD: "Not Available"). In summary, the available evidence is currently insufficient to determine the role of this variant in disease. Therefore, it has been classified as a Variant of Uncertain Significance.

Baylor Genetics
Classification: Uncertain significance for Werner syndrome. Last evaluated: 2020-11-23. Review status: criteria provided, single submitter. Criteria: ACMG Guidelines, 2015. Collection method: clinical testing. Allele origin: unknown. Affected: yes. Study: CSER-TexasKidsCanSeq.
Comment: This variant was determined to be of uncertain significance according to ACMG Guidelines, 2015 [PMID:25741868].